The following is an entry in ClinVar:

ClinVar aggregate classification (germline): Pathogenic/Likely pathogenic. Review status: criteria provided, multiple submitters, no conflicts (2 of 4 stars). 6 submissions from 6 submitters: Pathogenic (3); Likely pathogenic (3). Last evaluated 2026-02-27.

Conditions:
Hereditary nonpolyposis colon cancer (HNPCC). Also called: Hereditary nonpolyposis colorectal cancer; Familial nonpolyposis colon cancer; Hereditary Nonpolyposis Colorectal Cancer Syndrome. Identifiers: Orphanet 443909, MedGen C1333990, MONDO:0018630. Disease mechanism: loss of function.
Hereditary nonpolyposis colorectal neoplasms. Identifiers: MedGen C0009405, MeSH D003123.
Hereditary cancer-predisposing syndrome. Also called: Neoplastic Syndromes, Hereditary; Hereditary neoplastic syndrome; Tumor predisposition; Hereditary Cancer Syndrome. Identifiers: Orphanet 140162, MedGen C0027672, MeSH D009386, MONDO:0015356.
Lynch syndrome 4 (LYNCH4). Also called: Colorectal cancer, hereditary nonpolyposis, type 4; Hereditary non-polyposis colorectal cancer, type 4. Identifiers: Orphanet 144, MedGen C1838333, MONDO:0013699, OMIM 614337. Disease mechanism: loss of function.

Submissions (6):

Ambry Genetics
Classification: Pathogenic for Hereditary cancer-predisposing syndrome. Last evaluated: 2026-02-27. Review status: criteria provided, single submitter. Criteria: Ambry Variant Classification Scheme 2023. Collection method: clinical testing. Allele origin: germline.
Comment: The c.1144+1G>C intronic variant results from a G to C substitution one nucleotide after coding exon 10 of the PMS2 gene. Variants that disrupt the canonical splice site are expected to result in aberrant splicing. In silico splice site analysis predicts that this alteration will weaken the native splice donor site. RNA studies have demonstrated that this variant results in abnormal splicing in the set of samples tested (Ambry internal data). The resulting transcript is predicted to be in-frame and is not expected to trigger nonsense-mediated mRNAdecay; however, a significant portion of the protein is predicted to be impacted, and the region is critical for protein function (Ambry internal data). This variant is considered to be rare based on population cohorts in the Genome Aggregation Database (gnomAD). This nucleotide position is highly conserved in available vertebrate species. Based on the supporting evidence, this variant is interpreted as a disease-causing mutation.

GeneDx
Classification: Likely pathogenic. Last evaluated: 2025-07-23. Review status: criteria provided, single submitter. Criteria: GeneDx Variant Classification Process June 2021. Collection method: clinical testing. Allele origin: germline. Affected: yes.
Comment: Canonical splice site variant predicted to result in an in-frame loss of the adjacent exon in a gene for which loss of function is a known mechanism of disease; Not observed at significant frequency in large population cohorts (gnomAD); Has not been previously published as pathogenic or benign to our knowledge; This variant is associated with the following publications: (PMID: 11574484)

Women's Health and Genetics/Laboratory Corporation of America, LabCorp
Classification: Pathogenic for Hereditary nonpolyposis colon cancer. Last evaluated: 2024-10-31. Review status: criteria provided, single submitter. Criteria: LabCorp Variant Classification Summary - May 2015. Collection method: clinical testing. Allele origin: germline.
Comment: Variant summary: PMS2 c.1144+1G>C is located in a canonical splice-site and is predicted to affect mRNA splicing resulting in a significantly altered protein due to either exon skipping, shortening, or inclusion of intronic material. Variants that disrupt the consensus splice site are a relatively common cause of aberrant splicing and loss of PMS2 function. Several computational tools predict a significant impact on normal splicing: Four predict the variant abolishes a canonical 5' splicing donor site. Studies have shown that disruption of this splice site results in skipping of exon 10, but is expected to preserve the integrity of the reading-frame (Internal data). Deletion of exon 10 has been classified pathogenic by our lab as well as in ClinVar (Variation ID: 583476). The variant was absent in 251134 control chromosomes. To our knowledge, no occurrence of c.1144+1G>C in individuals affected with Lynch Syndrome has been reported. ClinVar contains an entry for this variant (Variation ID: 619888). Based on the evidence outlined above, the variant was classified as pathogenic.

Labcorp Genetics (formerly Invitae), Labcorp
Classification: Pathogenic for Hereditary nonpolyposis colorectal neoplasms. Last evaluated: 2023-12-21. Review status: criteria provided, single submitter. Criteria: Invitae Variant Classification Sherloc (09022015). Collection method: clinical testing. Allele origin: germline.
Comment: This sequence change affects a donor splice site in intron 10 of the PMS2 gene. RNA analysis indicates that disruption of this splice site induces altered splicing and likely results in a shortened protein product. This variant is not present in population databases (gnomAD no frequency). This variant has not been reported in the literature in individuals affected with PMS2-related conditions. ClinVar contains an entry for this variant (Variation ID: 619888). Studies have shown that disruption of this splice site results in skipping of exon 10, but is expected to preserve the integrity of the reading-frame (Invitae). Other variant(s) that result in the loss of exon 10 have been determined to be pathogenic (PMID: 16472587, 18602922, 22577899, 23837913, 26318770). This suggests that this variant may also be clinically significant and likely to be disease-causing. For these reasons, this variant has been classified as Pathogenic.

Myriad Genetics, Inc.
Classification: Likely pathogenic for Lynch syndrome 4. Last evaluated: 2023-09-20. Review status: criteria provided, single submitter. Criteria: Myriad Autosomal Dominant, Autosomal Recessive and X-Linked Classification Criteria (2023). Collection method: clinical testing. Allele origin: unknown.
Comment: This variant is considered likely pathogenic. This variant occurs within a consensus splice junction and is predicted to result in abnormal mRNA splicing of either an out-of-frame exon or an in-frame exon necessary for protein stability and/or normal function.

Quest Diagnostics Nichols Institute San Juan Capistrano
Classification: Likely pathogenic. Last evaluated: 2017-12-06. Review status: criteria provided, single submitter. Criteria: Quest Diagnostics criteria. Collection method: clinical testing. Allele origin: germline.

Literature cited by the submitters: PubMed 16472587 (cited by Labcorp Genetics (formerly Invitae), Labcorp); PubMed 18602922 (cited by Labcorp Genetics (formerly Invitae), Labcorp); PubMed 22577899 (cited by Labcorp Genetics (formerly Invitae), Labcorp); PubMed 23837913 (cited by Labcorp Genetics (formerly Invitae), Labcorp); PubMed 26318770 (cited by Labcorp Genetics (formerly Invitae), Labcorp).

NM_000535.7(PMS2):c.1144+1G>C

Gene: PMS2 (PMS1 homolog 2, mismatch repair system component; minus strand). Cytogenetic location: 7p22.1.
Variant type: single nucleotide variant.
Coding change: c.1144+1G>C on transcript NM_000535.7 (MANE Select); the canonical splice donor site of the intron after coding-DNA position 1144, G replaced by C.
Molecular consequence: splice donor variant. On other transcripts: intron variant (10).
Genome position (GRCh38, 1-based): chr7:5,989,799, C>G on the plus strand (G>C on the coding strand, the complement: PMS2 is on the minus strand). VCF-style: chr7-5989799-C-G. GRCh37 (hg19) VCF-style: chr7-6029430-C-G.
Other names: c.1144+1G>C (NM_001406872.1, NM_001406871.1, NM_001322014.2 and 1 more transcripts); c.835+1G>C (NM_001406878.1, NM_001406882.1, NM_001406875.1 and 5 more transcripts); c.1168+1G>C (NM_001406868.1); c.739+1G>C (NM_001406891.1, NM_001406899.1, NM_001406893.1 and 16 more transcripts); c.1330+1G>C (NM_001406866.1); c.826+1G>C (NM_001322008.2, NM_001406883.1, NM_001406903.1 and 2 more transcripts); c.373+1G>C (NM_001406911.1); c.583+2174G>C (NM_001322010.2, NM_001406906.1, NM_001406907.1); and 13 more.
Identifiers: ClinVar variation 619888 (VCV000619888.15), dbSNP rs373885654, ClinGen allele CA366742716.